The following is an entry in ClinVar:

NM_000302.4(PLOD1):c.1999G>A (p.Ala667Thr)

Gene: PLOD1 (procollagen-lysine,2-oxoglutarate 5-dioxygenase 1; plus strand). Cytogenetic location: 1p36.22.
Variant type: single nucleotide variant.
Coding change: c.1999G>A on transcript NM_000302.4 (MANE Select); coding-DNA position 1999, G replaced by A.
Protein change: p.Ala667Thr; replaces alanine 667 with threonine.
Molecular consequence: missense variant.
Genome position (GRCh38, 1-based): chr1:11,972,968, G>A. VCF-style: chr1-11972968-G-A. GRCh37 (hg19) VCF-style: chr1-12033025-G-A.
Other names: c.2140G>A, p.Ala714Thr (NM_001316320.2); short protein forms A667T, A714T.
Identifiers: ClinVar variation 1703435 (VCV001703435.7), dbSNP rs199730384, ClinGen allele CA598626.

ClinVar aggregate classification (germline): Likely pathogenic. Review status: criteria provided, multiple submitters, no conflicts (2 of 4 stars). 4 submissions from 4 submitters: Likely pathogenic (4). Last evaluated 2025-06-24.

Conditions:
PLOD1-related disorder. Also called: PLOD1-related condition.
Familial thoracic aortic aneurysm and aortic dissection (TAAD). Also called: Thoracic aortic aneurysms and dissections. Identifiers: Orphanet 91387, MedGen C4707243, MONDO:0019625.
Ehlers-Danlos syndrome, kyphoscoliotic type 1 (EDSKSCL1). Also called: EHLERS-DANLOS SYNDROME, TYPE VIA; EHLERS-DANLOS SYNDROME, OCULAR-SCOLIOTIC TYPE; PLOD1-Related Kyphoscoliotic Ehlers-Danlos Syndrome; Ehlers-Danlos syndrome, hydroxylysine-deficient. Identifiers: Orphanet 1900, MedGen C0268342, MONDO:0016002, OMIM 225400. Disease mechanism: loss of function.

Allele frequency attached by ClinVar (database versions not stated): gnomAD 0.00001; TOPMed 0.00001; ExAC 0.00002; gnomAD exomes 0.00002; 1000 Genomes Project 30x 0.00016; 1000 Genomes Project 0.00020.
gnomAD v4.1: 29 of 1,614,062 alleles (0.0018%); highest among the groups gnomAD compares: East Asian, 0.0022%; no homozygotes.

Submissions (4):

Ambry Genetics
Classification: Likely pathogenic for Familial thoracic aortic aneurysm and aortic dissection. Last evaluated: 2025-06-24. Review status: criteria provided, single submitter. Criteria: Ambry Variant Classification Scheme 2023. Collection method: clinical testing. Allele origin: germline.
Comment: The p.A667T variant (also known as c.1999G>A), located in coding exon 18 of the PLOD1 gene, results from a G to A substitution at nucleotide position 1999. The alanine at codon 667 is replaced by threonine, an amino acid with similar properties. This variant has been identified in the homozygous state and/or in conjunction with other PLOD1 variant(s) in individual(s) with features consistent with PLOD1-related kyphoscoliotic Ehlers-Danlos syndrome (Giunta C et al. Mol Genet Metab, 2005 Jun;86:269-76; Marchant RG et al. Ann Clin Transl Neurol, 2024 May;11:1250-1266). This variant is considered to be rare based on population cohorts in the Genome Aggregation Database (gnomAD). This amino acid position is highly conserved in available vertebrate species. In addition, this alteration is predicted to be deleterious by in silico analysis. Based on the majority of available evidence to date, this variant is likely to be pathogenic.

Labcorp Genetics (formerly Invitae), Labcorp
Classification: Likely pathogenic for Ehlers-Danlos syndrome, kyphoscoliotic type 1. Last evaluated: 2025-01-14. Review status: criteria provided, single submitter. Criteria: Invitae Variant Classification Sherloc (09022015). Collection method: clinical testing. Allele origin: germline.
Comment: This sequence change replaces alanine, which is neutral and non-polar, with threonine, which is neutral and polar, at codon 667 of the PLOD1 protein (p.Ala667Thr). This variant is present in population databases (rs199730384, gnomAD 0.03%). This missense change has been observed in individual(s) with Ehlers-Danlos syndrome, kyphoscoliotic form (PMID: 15979919). This variant is also known as c.1890G>A. ClinVar contains an entry for this variant (Variation ID: 1703435). Invitae Evidence Modeling of protein sequence and biophysical properties (such as structural, functional, and spatial information, amino acid conservation, physicochemical variation, residue mobility, and thermodynamic stability) has been performed for this missense variant. However, the output from this modeling did not meet the statistical confidence thresholds required to predict the impact of this variant on PLOD1 protein function. In summary, the currently available evidence indicates that the variant is pathogenic, but additional data are needed to prove that conclusively. Therefore, this variant has been classified as Likely Pathogenic.

Blueprint Genetics
Classification: Likely pathogenic for PLOD1-related disorders. Last evaluated: 2024-07-04. Review status: criteria provided, single submitter. Criteria: ACMG Guidelines, 2015. Collection method: clinical testing. Allele origin: germline. Affected: yes. Observed: 5 variant alleles.

GeneDx
Classification: Likely pathogenic. Last evaluated: 2022-08-15. Review status: criteria provided, single submitter. Criteria: GeneDx Variant Classification Process June 2021. Collection method: clinical testing. Allele origin: germline. Affected: yes.
Comment: Reported in a patient referred for a primary muscle disorder who also harbors a nonsense variant in the PLOD1 gene (Cummings et al., 2017); however, the phase of these variants and specific clinical information were not provided; In silico analysis supports that this missense variant has a deleterious effect on protein structure/function; This variant is associated with the following publications: (PMID: 28424332, 15979919, 32629534)

Literature cited by the submitters: PubMed 15979919 (cited by Ambry Genetics and Labcorp Genetics (formerly Invitae), Labcorp); PubMed 38544359 (cited by Ambry Genetics).